The following is an entry in ClinVar:

ClinVar aggregate classification (germline): Uncertain significance (1 of 4 stars; one submission).

Conditions:
Bloom syndrome (BLM). Also called: Bloom-Torre-Machacek syndrome. Identifiers: Orphanet 125, MedGen C0005859, MONDO:0008876, OMIM 210900.

Submission:

Labcorp Genetics (formerly Invitae), Labcorp
Classification: Uncertain significance for Bloom syndrome. Last evaluated: 2024-02-29. Review status: criteria provided, single submitter. Criteria: Invitae Variant Classification Sherloc (09022015). Collection method: clinical testing. Allele origin: germline.
Comment: This variant, c.3076_3078del, results in the deletion of 1 amino acid(s) of the BLM protein (p.Met1026del), but otherwise preserves the integrity of the reading frame. This variant is not present in population databases (gnomAD no frequency). This variant has not been reported in the literature in individuals affected with BLM-related conditions. Experimental studies and prediction algorithms are not available or were not evaluated, and the functional significance of this variant is currently unknown. In summary, the available evidence is currently insufficient to determine the role of this variant in disease. Therefore, it has been classified as a Variant of Uncertain Significance.

NM_000057.4(BLM):c.3076_3078del (p.Met1026del)

Gene: BLM (BLM RecQ like helicase; plus strand). Cytogenetic location: 15q26.1.
Variant type: Deletion.
Coding change: c.3076_3078del on transcript NM_000057.4 (MANE Select); coding-DNA positions 3076 to 3078, 3 bases deleted (ATG; older notation c.3076_3078delATG).
Protein change: p.Met1026del; deletes methionine 1026.
Genome position (GRCh38, 1-based): chr15:90,794,223-90,794,225, ATG deleted. VCF-style (leftmost placement, unchanged base first): chr15-90794222-CATG-C. GRCh37 (hg19) VCF-style: chr15-91337452-CATG-C.
Other names: c.3076_3078del, p.Met1026del (NM_001287246.2, NM_001287247.2); c.1951_1953del, p.Met651del (NM_001287248.2); short protein forms M1026del, M651del.
Identifiers: ClinVar variation 3637328 (VCV003637328.2).